The following is an entry in ClinVar:

NM_138713.4(NFAT5):c.1197-3T>C

Gene: NFAT5 (nuclear factor of activated T cells 5; plus strand). Cytogenetic location: 16q22.1.
Variant type: single nucleotide variant.
Coding change: c.1197-3T>C on transcript NM_138713.4 (MANE Select); 3 bases into the intron before coding-DNA position 1197, T replaced by C.
Molecular consequence: intron variant.
Genome position (GRCh38, 1-based): chr16:69,659,724, T>C. VCF-style: chr16-69659724-T-C. GRCh37 (hg19) VCF-style: chr16-69693627-T-C.
Other names: c.1197-3T>C (LRG_1332t1, NM_001113178.3); c.915-3T>C (NM_138714.4, NM_173214.3, NM_173215.3); c.1143-3T>C (NM_006599.4); c.525-3T>C (NM_001367709.1).
Identifiers: ClinVar variation 650409 (VCV000650409.8), dbSNP rs1597488810, ClinGen allele CA915949336.

ClinVar aggregate classification (germline): Uncertain significance (1 of 4 stars; one submission).

Conditions:
Immunodeficiency. Identifiers: MedGen C0021051, MONDO:0021094, HP:0002721.

Allele frequency attached by ClinVar (database versions not stated): gnomAD exomes below 0.00001.
gnomAD v4.1: 1 of 1,599,196 alleles (0.000063%); highest among the groups gnomAD compares: African/African-American, 0.0013%; no homozygotes.

Submission:

Labcorp Genetics (formerly Invitae), Labcorp
Classification: Uncertain significance for Immunodeficiency. Last evaluated: 2022-02-05. Review status: criteria provided, single submitter. Criteria: Invitae Variant Classification Sherloc (09022015). Collection method: clinical testing. Allele origin: germline.
Comment: ClinVar contains an entry for this variant (Variation ID: 650409). In summary, the available evidence is currently insufficient to determine the role of this variant in disease. Therefore, it has been classified as a Variant of Uncertain Significance. Variants that disrupt the consensus splice site are a relatively common cause of aberrant splicing (PMID: 17576681, 9536098). Algorithms developed to predict the effect of sequence changes on RNA splicing suggest that this variant is not likely to affect RNA splicing. This variant has not been reported in the literature in individuals affected with NFAT5-related conditions. This variant is not present in population databases (gnomAD no frequency). This sequence change falls in intron 7 of the NFAT5 gene. It does not directly change the encoded amino acid sequence of the NFAT5 protein. It affects a nucleotide within the consensus splice site.

Literature cited by the submitters: PubMed 17576681; PubMed 9536098.